The following is an entry in ClinVar:

ClinVar aggregate classification (germline): Likely pathogenic (1 of 4 stars; one submission).

Submission:

Illumina Laboratory Services, Illumina
Classification: Likely pathogenic. Last evaluated: 2023-03-22. Review status: criteria provided, single submitter. Criteria: ICSL CNVClassificationCriteria Aug2020. Collection method: clinical testing. Allele origin: unknown.
Comment: This CNV is a 10 kb duplication of 15q21.1 on chromosome 15, (seq[GRCh37]dup(15)(q21.1), chr15:g.48724466_48734658dup). The breakpoints of this CNV lie within the FBN1 gene, in introns 49 and 55, resulting in duplication of exons 50-55. These exons encode for the calcium binding EGF domains, which is a critical domain for protein function and harbors clinically significant variants (PMID: 27138491). This CNV has not been reported in controls. Based on the available evidence, this CNV is classified as likely pathogenic.

Single allele

Gene: FBN1 (fibrillin 1; minus strand). Cytogenetic location: 15q21.1.
Variant type: Duplication.
Identifiers: ClinVar variation 2671600 (VCV002671600.1).